The following is an entry in ClinVar:

ClinVar aggregate classification (germline): Uncertain significance (1 of 4 stars; one submission).

Conditions:
Catecholaminergic polymorphic ventricular tachycardia 1. Also called: VENTRICULAR TACHYCARDIA, CATECHOLAMINERGIC POLYMORPHIC, 1, WITH OR WITHOUT ATRIAL DYSFUNCTION AND/OR DILATED CARDIOMYOPATHY; VENTRICULAR TACHYCARDIA, STRESS-INDUCED POLYMORPHIC 1; RYR2-Related Catecholaminergic Polymorphic Ventricular Tachycardia. Identifiers: Orphanet 3286, MedGen C1631597, MONDO:0011484, OMIM 604772.

Submission:

Labcorp Genetics (formerly Invitae), Labcorp
Classification: Uncertain significance for Catecholaminergic polymorphic ventricular tachycardia 1. Last evaluated: 2024-01-02. Review status: criteria provided, single submitter. Criteria: Invitae Variant Classification Sherloc (09022015). Collection method: clinical testing. Allele origin: germline.
Comment: This sequence change affects codon 550 of the TRDN mRNA. It is a 'silent' change, meaning that it does not change the encoded amino acid sequence of the TRDN protein. This variant is not present in population databases (gnomAD no frequency). This variant has not been reported in the literature in individuals affected with TRDN-related conditions. ClinVar contains an entry for this variant (Variation ID: 1964026). Algorithms developed to predict the effect of sequence changes on RNA splicing suggest that this variant may disrupt the consensus splice site. In summary, the available evidence is currently insufficient to determine the role of this variant in disease. Therefore, it has been classified as a Variant of Uncertain Significance.

NM_006073.4(TRDN):c.1650G>A (p.Lys550=)

Gene: TRDN (triadin; minus strand). Cytogenetic location: 6q22.31.
Variant type: single nucleotide variant.
Coding change: c.1650G>A on transcript NM_006073.4 (MANE Select); coding-DNA position 1650, G replaced by A.
Protein change: p.Lys550=; no amino-acid change (lysine 550 retained).
Molecular consequence: synonymous variant.
Genome position (GRCh38, 1-based): chr6:123,272,986, C>T on the plus strand (G>A on the coding strand, the complement: TRDN is on the minus strand). VCF-style: chr6-123272986-C-T. GRCh37 (hg19) VCF-style: chr6-123594131-C-T.
Identifiers: ClinVar variation 1964026 (VCV001964026.5), dbSNP rs1777254238, ClinGen allele CA452054699.